The following is an entry in ClinVar:

ClinVar aggregate classification (germline): Uncertain significance (1 of 4 stars; one submission).

Conditions:
Hereditary cancer-predisposing syndrome. Also called: Neoplastic Syndromes, Hereditary; Tumor predisposition; Hereditary Cancer Syndrome; Hereditary neoplastic syndrome. Identifiers: Orphanet 140162, MedGen C0027672, MeSH D009386, MONDO:0015356.

Allele frequency attached by ClinVar (database versions not stated): gnomAD exomes below 0.00001; ExAC 0.00001.
gnomAD v4.1: 1 of 1,538,592 alleles (0.000065%); highest among the groups gnomAD compares: Non-Finnish European, 0.00009%; no homozygotes.

Submission:

Ambry Genetics
Classification: Uncertain significance for Hereditary cancer-predisposing syndrome. Last evaluated: 2022-06-27. Review status: criteria provided, single submitter. Criteria: Ambry Variant Classification Scheme 2023. Collection method: clinical testing. Allele origin: germline.
Comment: The p.K385R variant (also known as c.1154A>G), located in coding exon 13 of the CDC73 gene, results from a A to G substitution at nucleotide position 1154. The lysine at codon 385 is replaced by arginine, an amino acid with highly similar properties. This amino acid position is highly conserved in available vertebrate species. In addition, this alteration is predicted to be tolerated by in silico analysis. Since supporting evidence is limited at this time, the clinical significance of this alteration remains unclear.

NM_024529.5(CDC73):c.1154A>G (p.Lys385Arg)

Gene: CDC73 (cell division cycle 73; plus strand). Cytogenetic location: 1q31.2.
Variant type: single nucleotide variant.
Coding change: c.1154A>G on transcript NM_024529.5 (MANE Select); coding-DNA position 1154, A replaced by G.
Protein change: p.Lys385Arg; replaces lysine 385 with arginine.
Molecular consequence: missense variant.
Genome position (GRCh38, 1-based): chr1:193,212,477, A>G. VCF-style: chr1-193212477-A-G. GRCh37 (hg19) VCF-style: chr1-193181607-A-G.
Other names: short protein forms K385R.
Identifiers: ClinVar variation 1734846 (VCV001734846.2), dbSNP rs767954357, ClinGen allele CA1303779.